The following is an entry in ClinVar:

ClinVar aggregate classification (germline): Likely benign (0 of 4 stars; one submission).

Conditions:
BACH2-related disorder. Also called: BACH2-related condition.

Submission:

PreventionGenetics, part of Exact Sciences
Classification: Likely benign for BACH2-related condition. Last evaluated: 2019-03-06. Review status: no assertion criteria provided. Collection method: clinical testing. Allele origin: germline.
Comment: This variant is classified as likely benign based on ACMG/AMP sequence variant interpretation guidelines (Richards et al. 2015 PMID: 25741868, with internal and published modifications).

NM_021813.4(BACH2):c.969A>C (p.Pro323=)

Gene: BACH2 (BTB domain and CNC homolog 2; minus strand). Cytogenetic location: 6q15.
Variant type: single nucleotide variant.
Coding change: c.969A>C on transcript NM_021813.4 (MANE Select); coding-DNA position 969, A replaced by C.
Protein change: p.Pro323=; no amino-acid change (proline 323 retained).
Molecular consequence: synonymous variant.
Genome position (GRCh38, 1-based): chr6:89,951,137, T>G on the plus strand (A>C on the coding strand, the complement: BACH2 is on the minus strand). VCF-style: chr6-89951137-T-G. GRCh37 (hg19) VCF-style: chr6-90660856-T-G.
Other names: c.969A>C, p.Pro323= (NM_001170794.2).
Identifiers: ClinVar variation 3036856 (VCV003036856.2), dbSNP rs2533566697, ClinGen allele CA451357370.
Genomic context (GRCh38, chr6:89,951,137, plus strand): 5'-AGACCTTAAGCAGGAGGGCGAGGCCACGCTCCTGGATCTCTCCAGGCAGGCGGCCCCAGC[T>G]GGGGCCGTGGGGGTAGGGGCAGGGCTGGGCTGTTTCCGGTCCATCTCGACATCCCCCGCT-3'
Protein context (NP_068585.1, residues 313-333): QPSPAPTPTA[Pro323=]AGAACLERSR